The following is an entry in ClinVar:

ClinVar aggregate classification (germline): Uncertain significance. Review status: criteria provided, multiple submitters, no conflicts (2 of 4 stars). 2 submissions from 2 submitters: Uncertain significance (2). Last evaluated 2023-12-18.

Conditions:
Hereditary cancer-predisposing syndrome. Also called: Hereditary Cancer Syndrome; Neoplastic Syndromes, Hereditary; Tumor predisposition; Hereditary neoplastic syndrome. Identifiers: Orphanet 140162, MedGen C0027672, MeSH D009386, MONDO:0015356.

Allele frequency attached by ClinVar (database versions not stated): gnomAD exomes below 0.00001; TOPMed below 0.00001; ExAC 0.00001; gnomAD 0.00001; ESP Exome Variant Server 0.00008.
gnomAD v4.1: 5 of 1,607,130 alleles (0.00031%); highest among the groups gnomAD compares: East Asian, 0.0045%; no homozygotes.

Submissions (2):

Ambry Genetics
Classification: Uncertain significance for Hereditary cancer-predisposing syndrome. Last evaluated: 2023-12-18. Review status: criteria provided, single submitter. Criteria: Ambry Variant Classification Scheme 2023. Collection method: clinical testing. Allele origin: germline.
Comment: The p.Y51C variant (also known as c.152A>G), located in coding exon 2 of the RAD50 gene, results from an A to G substitution at nucleotide position 152. The tyrosine at codon 51 is replaced by cysteine, an amino acid with highly dissimilar properties. This variant was previously reported in the SNPDatabase as rs149010606. Based on data from the NHLBI Exome Sequencing Project (ESP), the G allele has an overall frequency of approximately 0.01% (1/12970) total alleles studied, having been observed in 0.02% (1/4402) African American alleles. To date, this alteration has been detected with an allele frequency of approximately 0.001% (greater than 175000 alleles tested) in our clinical cohort. This amino acid position is highly conserved in available vertebrate species. In addition, the in silico prediction for this alteration is inconclusive. Since supporting evidence is limited at this time, the clinical significance of this alteration remains unclear.

Labcorp Genetics (formerly Invitae), Labcorp
Classification: Uncertain significance for Hereditary cancer-predisposing syndrome. Last evaluated: 2023-10-30. Review status: criteria provided, single submitter. Criteria: Invitae Variant Classification Sherloc (09022015). Collection method: clinical testing. Allele origin: germline.
Comment: This sequence change replaces tyrosine, which is neutral and polar, with cysteine, which is neutral and slightly polar, at codon 51 of the RAD50 protein (p.Tyr51Cys). This variant is present in population databases (rs149010606, gnomAD 0.008%). This variant has not been reported in the literature in individuals affected with RAD50-related conditions. ClinVar contains an entry for this variant (Variation ID: 480395). Advanced modeling of protein sequence and biophysical properties (such as structural, functional, and spatial information, amino acid conservation, physicochemical variation, residue mobility, and thermodynamic stability) performed at Invitae indicates that this missense variant is expected to disrupt RAD50 protein function with a positive predictive value of 80%. In summary, the available evidence is currently insufficient to determine the role of this variant in disease. Therefore, it has been classified as a Variant of Uncertain Significance.

NM_005732.4(RAD50):c.152A>G (p.Tyr51Cys)

Gene: RAD50 (RAD50 double strand break repair protein; plus strand). Cytogenetic location: 5q31.1.
Variant type: single nucleotide variant.
Coding change: c.152A>G on transcript NM_005732.4 (MANE Select); coding-DNA position 152, A replaced by G.
Protein change: p.Tyr51Cys; replaces tyrosine 51 with cysteine.
Molecular consequence: missense variant.
Genome position (GRCh38, 1-based): chr5:132,559,306, A>G. VCF-style: chr5-132559306-A-G. GRCh37 (hg19) VCF-style: chr5-131894998-A-G.
Other names: short protein forms Y51C.
Identifiers: ClinVar variation 480395 (VCV000480395.11), dbSNP rs149010606, ClinGen allele CA3404916.
Genomic context (GRCh38, chr5:132,559,306, plus strand): 5'-CTCTTATAACGAAATAATGTAATTTTCTATTTCTTTAGACCATCATTGAATGTCTAAAAT[A>G]TATTTGTACTGGAGATTTCCCTCCTGGAACCAAAGGAAATACATTTGTACACGATCCCAA-3'
Protein context (NP_005723.2, residues 41-61): GKTTIIECLK[Tyr51Cys]ICTGDFPPGT